The following is an entry in ClinVar:

NM_001793.6(CDH3):c.1902G>T (p.Arg634Ser)

Gene: CDH3 (cadherin 3; plus strand). Cytogenetic location: 16q22.1.
Variant type: single nucleotide variant.
Coding change: c.1902G>T on transcript NM_001793.6 (MANE Select); coding-DNA position 1902, G replaced by T.
Protein change: p.Arg634Ser; replaces arginine 634 with serine.
Molecular consequence: missense variant.
Genome position (GRCh38, 1-based): chr16:68,691,826, G>T. VCF-style: chr16-68691826-G-T. GRCh37 (hg19) VCF-style: chr16-68725729-G-T.
Other names: c.1902G>T, p.Arg634Ser (NM_001317195.3); c.1737G>T, p.Arg579Ser (NM_001317196.2); short protein forms R634S, R579S.
Identifiers: ClinVar variation 1422848 (VCV001422848.6), dbSNP rs1431278258, ClinGen allele CA396455647.

ClinVar aggregate classification (germline): Uncertain significance (1 of 4 stars; one submission).

Submission:

Labcorp Genetics (formerly Invitae), Labcorp
Classification: Uncertain significance. Last evaluated: 2021-10-25. Review status: criteria provided, single submitter. Criteria: Invitae Variant Classification Sherloc (09022015). Collection method: clinical testing. Allele origin: germline.
Comment: This variant has not been reported in the literature in individuals affected with CDH3-related conditions. In summary, the available evidence is currently insufficient to determine the role of this variant in disease. Therefore, it has been classified as a Variant of Uncertain Significance. Algorithms developed to predict the effect of missense changes on protein structure and function output the following: SIFT: "Not Available"; PolyPhen-2: "Benign"; Align-GVGD: "Not Available". The serine amino acid residue is found in multiple mammalian species, which suggests that this missense change does not adversely affect protein function. This variant is not present in population databases (gnomAD no frequency). This sequence change replaces arginine with serine at codon 634 of the CDH3 protein (p.Arg634Ser). The arginine residue is moderately conserved and there is a moderate physicochemical difference between arginine and serine.